The following is an entry in ClinVar:

NM_003803.4(MYOM1):c.677C>A (p.Ala226Asp)

Gene: MYOM1 (myomesin 1; minus strand). Cytogenetic location: 18p11.31.
Variant type: single nucleotide variant.
Coding change: c.677C>A on transcript NM_003803.4 (MANE Select); coding-DNA position 677, C replaced by A.
Protein change: p.Ala226Asp; replaces alanine 226 with aspartic acid.
Molecular consequence: missense variant.
Genome position (GRCh38, 1-based): chr18:3,188,842, G>T on the plus strand (C>A on the coding strand, the complement: MYOM1 is on the minus strand). VCF-style: chr18-3188842-G-T. GRCh37 (hg19) VCF-style: chr18-3188840-G-T.
Other names: c.677C>A, p.Ala226Asp (NM_019856.2); short protein forms A226D.
Identifiers: ClinVar variation 1755379 (VCV001755379.8), dbSNP rs2510719219, ClinGen allele CA401716602.

ClinVar aggregate classification (germline): Uncertain significance. Review status: criteria provided, multiple submitters, no conflicts (2 of 4 stars). 2 submissions from 2 submitters: Uncertain significance (2). Last evaluated 2024-06-03.

Conditions:
Hypertrophic cardiomyopathy. Also called: HYPERTROPHIC MYOCARDIOPATHY. Identifiers: Orphanet 217569, MedGen C0007194, MeSH D002312, MONDO:0005045, HP:0001639.

gnomAD v4.1: 7 of 1,613,530 alleles (0.00043%); highest among the groups gnomAD compares: Non-Finnish European, 0.00051%; no homozygotes.

Submissions (2):

Ambry Genetics
Classification: Uncertain significance. Last evaluated: 2024-06-03. Review status: criteria provided, single submitter. Criteria: Ambry Variant Classification Scheme 2023. Collection method: clinical testing. Allele origin: germline.
Comment: The p.A226D variant (also known as c.677C>A), located in coding exon 3 of the MYOM1 gene, results from a C to A substitution at nucleotide position 677. The alanine at codon 226 is replaced by aspartic acid, an amino acid with dissimilar properties. This amino acid position is conserved. In addition, this alteration is predicted to be tolerated by in silico analysis. Since supporting evidence is limited at this time, the clinical significance of this alteration remains unclear.

Labcorp Genetics (formerly Invitae), Labcorp
Classification: Uncertain significance for Hypertrophic cardiomyopathy. Last evaluated: 2023-09-10. Review status: criteria provided, single submitter. Criteria: Invitae Variant Classification Sherloc (09022015). Collection method: clinical testing. Allele origin: germline.
Comment: In summary, the available evidence is currently insufficient to determine the role of this variant in disease. Therefore, it has been classified as a Variant of Uncertain Significance. An algorithm developed to predict the effect of missense changes on protein structure and function (PolyPhen-2) suggests that this variant is likely to be tolerated. ClinVar contains an entry for this variant (Variation ID: 1755379). This variant has not been reported in the literature in individuals affected with MYOM1-related conditions. This variant is not present in population databases (gnomAD no frequency). This sequence change replaces alanine, which is neutral and non-polar, with aspartic acid, which is acidic and polar, at codon 226 of the MYOM1 protein (p.Ala226Asp).